The following is an entry in ClinVar:

ClinVar aggregate classification (germline): Likely pathogenic (1 of 4 stars; one submission).

Conditions:
Autosomal recessive limb-girdle muscular dystrophy type 2A (LGMDR1). Also called: Limb-girdle muscular dystrophy, type 2A; Calpainopathy; LEYDEN-MOEBIUS MUSCULAR DYSTROPHY; MUSCULAR DYSTROPHY, PELVOFEMORAL; Muscular dystrophy, limb-girdle, type 2A, Amish. Identifiers: Orphanet 267, MedGen C1869123, MONDO:0009675, OMIM 253600. Disease mechanism: loss of function.

Submission:

Myriad Genetics, Inc.
Classification: Likely pathogenic for Autosomal recessive limb-girdle muscular dystrophy type 2A. Last evaluated: 2019-10-05. Review status: criteria provided, single submitter. Criteria: Myriad Women's Health Autosomal Recessive and X-Linked Classification Criteria (2019). Collection method: clinical testing. Allele origin: unknown.
Comment: NM_000070.2(CAPN3):c.973A>T(R325*) is expected to be pathogenic in the context of calpainopathy. This variant is predicted to lead to an abnormal or absent protein product due to the creation of a premature termination codon in CAPN3, a gene where loss-of-function variants are known to be pathogenic. Please note: this variant was assessed in the context of healthy population screening.

NM_000070.3(CAPN3):c.973A>T (p.Arg325Ter)

Gene: CAPN3 (calpain 3; plus strand). Cytogenetic location: 15q15.1.
Variant type: single nucleotide variant.
Coding change: c.973A>T on transcript NM_000070.3 (MANE Select); coding-DNA position 973, A replaced by T.
Protein change: p.Arg325Ter; replaces arginine 325 with a stop codon.
Molecular consequence: nonsense.
Genome position (GRCh38, 1-based): chr15:42,392,666, A>T. VCF-style: chr15-42392666-A-T. GRCh37 (hg19) VCF-style: chr15-42684864-A-T.
Other names: c.973A>T, p.Arg325Ter (NM_024344.2); c.829A>T, p.Arg277Ter (NM_173087.2); short protein forms R277*, R325*.
Identifiers: ClinVar variation 983854 (VCV000983854.3), dbSNP rs2053589887, ClinGen allele CA391998793.